The following is an entry in ClinVar:

ClinVar aggregate classification (germline): Conflicting classifications of pathogenicity. Review status: criteria provided, conflicting classifications (1 of 4 stars). 2 submissions from 2 submitters: Likely pathogenic (1); Uncertain significance (1). Last evaluated 2024-10-09.

Conditions:
Diamond-Blackfan anemia 8 (DBA8). Also called: RPS7-Related Diamond-Blackfan Anemia. Identifiers: Orphanet 124, MedGen C2675511, MONDO:0012939, OMIM 612563.

Submissions (2):

Victorian Clinical Genetics Services, Murdoch Childrens Research Institute
Classification: Likely pathogenic for Diamond-Blackfan anemia 8. Last evaluated: 2024-10-09. Review status: criteria provided, single submitter. Criteria: ACMG Guidelines, 2015. Collection method: clinical testing. Allele origin: germline. Inheritance: Autosomal dominant inheritance. Affected: yes.
Comment: Based on the classification scheme VCGS_Germline_v1.3.4, this variant is classified as Likely pathogenic. Following criteria are met: 0102 - Loss of function is a known mechanism of disease in this gene and is associated with Diamond-Blackfan anaemia 8 (MIM#612563). (I) 0107 - This gene is associated with autosomal dominant disease. (I) 0211 - Canonical splice site variant without proven consequence on splicing (no functional evidence available). However, this variant is located within the 5'-UTR and is predicted to result in the loss of the transcription start site. (SP) 0251 - This variant is heterozygous. (I) 0301 - Variant is absent from gnomAD (both v2 and v3). (SP) 0505 - Abnormal splicing is predicted by in silico tool and affected nucleotide is highly conserved. (SP) 0702 - Other variants comparable to the one identified in this case have strong previous evidence for pathogenicity. A substitution affecting the same nucleotide, c.-19+1G>A, was regarded as pathogenic in ClinVar. Another change, c.-19+1G>T, segregated in a Russian family with Diamond-Blackfan anaemia (DBA) and was shown to dramatically decrease mRNA and protein levels (PMID: 36057918). In addition, c.-19+2T>C was detected de novo in an individual with DBA (PMID: 25946618). (SP) 0809 - Previous evidence of pathogenicity for this variant is inconclusive. (I) 0905 - No published segregation evidence has been identified for this variant. (I) 1007 - No published functional evidence has been identified for this variant. (I) 1102 - Strong phenotype match for this individual. (I) Legend: (SP) - Supporting pathogenic, (I) - Information, (SB) - Supporting benign

GeneDx
Classification: Uncertain significance. Last evaluated: 2017-03-13. Review status: criteria provided, single submitter. Criteria: GeneDx Variant Classification (06012015). Collection method: clinical testing. Allele origin: germline. Affected: yes.
Comment: The c.-19+1 G>C variant has not been published as a pathogenic variant, nor has it been reported as a benign variant to our knowledge. Several in-silico splice prediction models predict that c.-19+1 G>C destroys the canonical splice donor site of exon 1; however, exon 1 is non-coding. In the absence of RNA/functional studies, the actual effect of this sequence change in this individual is unknown. Therefore, based on the currently available information, it is unclear whether this variant is a pathogenic variant or a rare benign variant.

Literature cited by the submitters: PubMed 25946618 (cited by Victorian Clinical Genetics Services, Murdoch Childrens Research Institute); PubMed 29114930 (cited by Victorian Clinical Genetics Services, Murdoch Childrens Research Institute); PubMed 36057918 (cited by Victorian Clinical Genetics Services, Murdoch Childrens Research Institute).

NM_001011.4(RPS7):c.-19+1G>C

Gene: RPS7 (ribosomal protein S7; plus strand). Cytogenetic location: 2p25.3.
Variant type: single nucleotide variant.
Coding change: c.-19+1G>C on transcript NM_001011.4 (MANE Select); the canonical splice donor site of the intron after 19 bases upstream of the start codon, G replaced by C.
Molecular consequence: splice donor variant.
Genome position (GRCh38, 1-based): chr2:3,575,351, G>C. VCF-style: chr2-3575351-G-C. GRCh37 (hg19) VCF-style: chr2-3622941-G-C.
Identifiers: ClinVar variation 424204 (VCV000424204.4), dbSNP rs1064796859, ClinGen allele CA16617534.
Genomic context (GRCh38, chr2:3,575,351, plus strand): 5'-GCCGGATTTTGACGTGCTCTCGCGAGATTTGGGTCTCTTCCTAAGCCGGCGCTCGGCAAG[G>C]TAGGTTGGCGGCCTGCTCTCCGACAGAACTTTTCTTCTTGGGTTGAGGAAAACGCCTTTT-3'